The following is an entry in ClinVar:

NM_000702.4(ATP1A2):c.2387C>T (p.Pro796Leu)

Gene: ATP1A2 (ATPase Na+/K+ transporting subunit alpha 2; plus strand). Cytogenetic location: 1q23.2.
Variant type: single nucleotide variant.
Coding change: c.2387C>T on transcript NM_000702.4 (MANE Select); coding-DNA position 2387, C replaced by T.
Protein change: p.Pro796Leu; replaces proline 796 with leucine.
Molecular consequence: missense variant.
Genome position (GRCh38, 1-based): chr1:160,135,941, C>T. VCF-style: chr1-160135941-C-T. GRCh37 (hg19) VCF-style: chr1-160105731-C-T.
Other names: short protein forms P796L.
Identifiers: ClinVar variation 1526131 (VCV001526131.4), dbSNP rs1651922528, ClinGen allele CA343250637.

ClinVar aggregate classification (germline): Uncertain significance. Review status: criteria provided, multiple submitters, no conflicts (2 of 4 stars). 2 submissions from 2 submitters: Uncertain significance (2). Last evaluated 2024-01-24.

Conditions:
Developmental and epileptic encephalopathy 98. Identifiers: MedGen C5562017, MONDO:0030472, OMIM 619605.
Familial hemiplegic migraine. Identifiers: MedGen C0338484, MONDO:0000700.

Submissions (2):

Labcorp Genetics (formerly Invitae), Labcorp
Classification: Uncertain significance for Familial hemiplegic migraine. Last evaluated: 2024-01-24. Review status: criteria provided, single submitter. Criteria: Invitae Variant Classification Sherloc (09022015). Collection method: clinical testing. Allele origin: germline.
Comment: This sequence change replaces proline, which is neutral and non-polar, with leucine, which is neutral and non-polar, at codon 796 of the ATP1A2 protein (p.Pro796Leu). This variant is not present in population databases (gnomAD no frequency). This variant has not been reported in the literature in individuals affected with ATP1A2-related conditions. ClinVar contains an entry for this variant (Variation ID: 1526131). Advanced modeling of protein sequence and biophysical properties (such as structural, functional, and spatial information, amino acid conservation, physicochemical variation, residue mobility, and thermodynamic stability) performed at Invitae indicates that this missense variant is expected to disrupt ATP1A2 protein function with a positive predictive value of 80%. This variant disrupts the p.Pro796 amino acid residue in ATP1A2. Other variant(s) that disrupt this residue have been observed in individuals with ATP1A2-related conditions (PMID: 15159495, 18028456), which suggests that this may be a clinically significant amino acid residue. In summary, the available evidence is currently insufficient to determine the role of this variant in disease. Therefore, it has been classified as a Variant of Uncertain Significance.

3billion
Classification: Uncertain significance for Developmental and epileptic encephalopathy 98. Last evaluated: 2022-03-22. Review status: criteria provided, single submitter. Criteria: ACMG Guidelines, 2015. Collection method: clinical testing. Allele origin: germline. Affected: yes. Observed: 1 heterozygote.
Comment: A different missense change at the same codon has been reported as pathogenic/likely pathogenic with strong evidence (ClinVar ID: VCV001013257, PMID:18028456,15159495). In silico tool predictions suggest damaging effect of the variant on gene or gene product (REVEL: 0.882>=0.6, 3CNET: 0.898>=0.75). A missense variant is a common mechanism . It is not observed in the gnomAD v2.1.1 dataset. Therefore, this variant is classified as uncertain significance according to the recommendation of ACMG/AMP guideline.

Literature cited by the submitters: PubMed 15159495 (cited by Labcorp Genetics (formerly Invitae), Labcorp and 3billion); PubMed 18028456 (cited by Labcorp Genetics (formerly Invitae), Labcorp and 3billion).